The following is an entry in ClinVar:

NM_001349206.2(LPIN1):c.2086C>T (p.Arg696Cys)

Gene: LPIN1 (lipin 1; plus strand). Cytogenetic location: 2p25.1.
Variant type: single nucleotide variant.
Coding change: c.2086C>T on transcript NM_001349206.2 (MANE Select); coding-DNA position 2086, C replaced by T.
Protein change: p.Arg696Cys; replaces arginine 696 with cysteine.
Molecular consequence: missense variant. On other transcripts: non-coding transcript variant (1).
Genome position (GRCh38, 1-based): chr2:11,804,495, C>T. VCF-style: chr2-11804495-C-T. GRCh37 (hg19) VCF-style: chr2-11944621-C-T.
Other names: c.1996C>T, p.Arg666Cys (NM_001261427.3); c.2233C>T, p.Arg745Cys (NM_001261428.3); c.1978C>T, p.Arg660Cys (NM_001349199.2, NM_145693.4); c.2056C>T, p.Arg686Cys (NM_001349200.2, NM_001349201.2); c.2083C>T, p.Arg695Cys (NM_001349202.2, NM_001349203.2); c.2086C>T, p.Arg696Cys (NM_001349204.2, NM_001349205.2); c.2176C>T, p.Arg726Cys (NM_001349207.2); c.2125C>T, p.Arg709Cys (NM_001349208.2); and 1 more; short protein forms R696C, R660C, R666C, R709C, R726C, R686C, R695C, R745C.
Identifiers: ClinVar variation 2196626 (VCV002196626.3), dbSNP rs778277029, ClinGen allele CA1533991.

ClinVar aggregate classification (germline): Uncertain significance. Review status: criteria provided, multiple submitters, no conflicts (2 of 4 stars). 2 submissions from 2 submitters: Uncertain significance (2). Last evaluated 2025-12-31.

Conditions:
Inborn genetic diseases. Identifiers: MedGen C0950123, MeSH D030342.

Allele frequency attached by ClinVar (database versions not stated): gnomAD 0.00001; ExAC 0.00002; gnomAD exomes 0.00004.
gnomAD v4.1: 54 of 1,614,020 alleles (0.0033%); highest among the groups gnomAD compares: African/African-American, 0.008%; no homozygotes.

Submissions (2):

Labcorp Genetics (formerly Invitae), Labcorp
Classification: Uncertain significance. Last evaluated: 2025-12-31. Review status: criteria provided, single submitter. Criteria: Invitae Variant Classification Sherloc (09022015). Collection method: clinical testing. Allele origin: germline.
Comment: This sequence change replaces arginine, which is basic and polar, with cysteine, which is neutral and slightly polar, at codon 660 of the LPIN1 protein (p.Arg660Cys). This variant is present in population databases (rs778277029, gnomAD 0.02%). This variant has not been reported in the literature in individuals affected with LPIN1-related conditions. ClinVar contains an entry for this variant (Variation ID: 2196626). Invitae Evidence Modeling of protein sequence and biophysical properties (such as structural, functional, and spatial information, amino acid conservation, physicochemical variation, residue mobility, and thermodynamic stability) indicates that this missense variant is expected to disrupt LPIN1 protein function with a positive predictive value of 80%. In summary, the available evidence is currently insufficient to determine the role of this variant in disease. Therefore, it has been classified as a Variant of Uncertain Significance.

Ambry Genetics
Classification: Uncertain significance for Inborn genetic diseases. Last evaluated: 2025-11-13. Review status: criteria provided, single submitter. Criteria: Ambry Variant Classification Scheme 2023. Collection method: clinical testing. Allele origin: germline.